The following is an entry in ClinVar:

NM_000051.4(ATM):c.5279T>A (p.Met1760Lys)

Gene: ATM (ATM serine/threonine kinase; plus strand). Cytogenetic location: 11q22.3.
Variant type: single nucleotide variant.
Coding change: c.5279T>A on transcript NM_000051.4 (MANE Select); coding-DNA position 5279, T replaced by A.
Protein change: p.Met1760Lys; replaces methionine 1760 with lysine.
Molecular consequence: missense variant.
Genome position (GRCh38, 1-based): chr11:108,301,749, T>A. VCF-style: chr11-108301749-T-A. GRCh37 (hg19) VCF-style: chr11-108172476-T-A.
Other names: c.5279T>A, p.Met1760Lys (NM_001351834.2); short protein forms M1760K.
Identifiers: ClinVar variation 2122965 (VCV002122965.4), dbSNP rs2135914576, ClinGen allele CA382542624.

ClinVar aggregate classification (germline): Uncertain significance (1 of 4 stars; one submission).

Conditions:
Ataxia-telangiectasia syndrome (AT). Also called: Cerebello-oculocutaneous telangiectasia; Immunodeficiency with ataxia telangiectasia; Ataxia-telangiectasia, complementation group D; Ataxia telangiectasia (A-T); ATAXIA-TELANGIECTASIA, COMPLEMENTATION GROUP A; ATAXIA-TELANGIECTASIA, FRESNO VARIANT. Identifiers: Orphanet 100, MedGen C0004135, MONDO:0008840, OMIM 208900.

Submission:

Labcorp Genetics (formerly Invitae), Labcorp
Classification: Uncertain significance for Ataxia-telangiectasia syndrome. Last evaluated: 2022-04-08. Review status: criteria provided, single submitter. Criteria: Invitae Variant Classification Sherloc (09022015). Collection method: clinical testing. Allele origin: germline.
Comment: This sequence change replaces methionine, which is neutral and non-polar, with lysine, which is basic and polar, at codon 1760 of the ATM protein (p.Met1760Lys). This variant is not present in population databases (gnomAD no frequency). This variant has not been reported in the literature in individuals affected with ATM-related conditions. Advanced modeling of protein sequence and biophysical properties (such as structural, functional, and spatial information, amino acid conservation, physicochemical variation, residue mobility, and thermodynamic stability) performed at Invitae indicates that this missense variant is not expected to disrupt ATM protein function. In summary, the available evidence is currently insufficient to determine the role of this variant in disease. Therefore, it has been classified as a Variant of Uncertain Significance.